The following is an entry in ClinVar:

NM_000540.3(RYR1):c.12613G>A (p.Glu4205Lys)

Gene: RYR1 (ryanodine receptor 1; plus strand). Cytogenetic location: 19q13.2.
Variant type: single nucleotide variant.
Coding change: c.12613G>A on transcript NM_000540.3 (MANE Select); coding-DNA position 12613, G replaced by A.
Protein change: p.Glu4205Lys; replaces glutamic acid 4205 with lysine.
Molecular consequence: missense variant.
Genome position (GRCh38, 1-based): chr19:38,561,443, G>A. VCF-style: chr19-38561443-G-A. GRCh37 (hg19) VCF-style: chr19-39052083-G-A.
Other names: c.12598G>A, p.Glu4200Lys (NM_001042723.2); short protein forms E4200K, E4205K.
Identifiers: ClinVar variation 1353739 (VCV001353739.6), dbSNP rs1361451153, ClinGen allele CA405669927.

ClinVar aggregate classification (germline): Uncertain significance (1 of 4 stars; one submission).

Conditions:
RYR1-related disorder. Also called: RYR1-related condition; RYR1-related disorders. Identifiers: MedGen CN239331.

Submission:

Labcorp Genetics (formerly Invitae), Labcorp
Classification: Uncertain significance for RYR1-related disorder. Last evaluated: 2022-07-30. Review status: criteria provided, single submitter. Criteria: Invitae Variant Classification Sherloc (09022015). Collection method: clinical testing. Allele origin: germline.
Comment: Algorithms developed to predict the effect of missense changes on protein structure and function are either unavailable or do not agree on the potential impact of this missense change (SIFT: "Deleterious"; PolyPhen-2: "Benign"; Align-GVGD: "Class C0"). This sequence change replaces glutamic acid, which is acidic and polar, with lysine, which is basic and polar, at codon 4205 of the RYR1 protein (p.Glu4205Lys). This variant is not present in population databases (gnomAD no frequency). This variant has not been reported in the literature in individuals affected with RYR1-related conditions. ClinVar contains an entry for this variant (Variation ID: 1353739). In summary, the available evidence is currently insufficient to determine the role of this variant in disease. Therefore, it has been classified as a Variant of Uncertain Significance.